The following is an entry in ClinVar:

ClinVar aggregate classification (germline): Uncertain significance. Review status: criteria provided, multiple submitters, no conflicts (2 of 4 stars). 2 submissions from 2 submitters: Uncertain significance (2). Last evaluated 2026-07-07.

Conditions:
Hereditary cancer-predisposing syndrome. Also called: Neoplastic Syndromes, Hereditary; Tumor predisposition; Hereditary Cancer Syndrome; Hereditary neoplastic syndrome. Identifiers: Orphanet 140162, MedGen C0027672, MeSH D009386, MONDO:0015356.

Submissions (2):

Ambry Genetics
Classification: Uncertain significance for Hereditary cancer-predisposing syndrome. Last evaluated: 2026-07-07. Review status: criteria provided, single submitter. Criteria: Ambry Variant Classification Scheme 2023. Collection method: clinical testing. Allele origin: germline.
Comment: The p.G636A variant (also known as c.1907G>C), located in coding exon 17 of the TSC2 gene, results from a G to C substitution at nucleotide position 1907. The glycine at codon 636 is replaced by alanine, an amino acid with similar properties. This amino acid position is conserved. In addition, this alteration is predicted to be deleterious by in silico analysis. Based on the available evidence, the clinical significance of this variant remains unclear.

Blueprint Genetics
Classification: Uncertain significance. Last evaluated: 2024-02-21. Review status: criteria provided, single submitter. Criteria: ACMG Guidelines, 2015. Collection method: clinical testing. Allele origin: germline.

NM_000548.5(TSC2):c.1907G>C (p.Gly636Ala)

Gene: TSC2 (TSC complex subunit 2; plus strand). Cytogenetic location: 16p13.3.
Variant type: single nucleotide variant.
Coding change: c.1907G>C on transcript NM_000548.5 (MANE Select); coding-DNA position 1907, G replaced by C.
Protein change: p.Gly636Ala; replaces glycine 636 with alanine.
Molecular consequence: missense variant. On other transcripts: non-coding transcript variant (5).
Genome position (GRCh38, 1-based): chr16:2,071,577, G>C. VCF-style: chr16-2071577-G-C. GRCh37 (hg19) VCF-style: chr16-2121578-G-C.
Other names: c.1796G>C, p.Gly599Ala (NM_001406670.1, NM_001406678.1, NM_001318827.2); c.1895G>C, p.Gly632Ala (NM_001406671.1, NM_001406673.1); c.1760G>C, p.Gly587Ala (NM_001406675.1, NM_001406676.1, NM_001406679.1 and 1 more transcripts); c.1850G>C, p.Gly617Ala (NM_001406677.1); c.1307G>C, p.Gly436Ala (NM_001406680.1, NM_001318831.2, NM_001406682.1 and 6 more transcripts); c.1445G>C, p.Gly482Ala (NM_001406681.1); c.1940G>C, p.Gly647Ala (NM_001318832.2); c.1907G>C, p.Gly636Ala (NM_001363528.2, NM_001370404.1, NM_001370405.1 and 6 more transcripts); and 3 more; short protein forms G436A, G587A, G636A, G647A, G599A, G632A, G188A, G666A.
Identifiers: ClinVar variation 4927440 (VCV004927440.2).
Genomic context (GRCh38, chr16:2,071,577, plus strand): 5'-ACTTCCTGTTGCTGCTGCGGGCCGACTCACTGCACCGCCTGGGCCTGCCCAACAAGGATG[G>C]AGTCGTGCGGTTCAGCCCCTACTGCGTCTGCGACTACATGTACGCGGGACCTCGCCCACG-3'
Protein context (NP_000539.2, residues 626-646): LHRLGLPNKD[Gly636Ala]VVRFSPYCVC